The following is an entry in ClinVar:

ClinVar aggregate classification (germline): Uncertain significance (1 of 4 stars; one submission).

Submission:

Women's Health and Genetics/Laboratory Corporation of America, LabCorp
Classification: Uncertain significance. Last evaluated: 2024-12-18. Review status: criteria provided, single submitter. Criteria: LabCorp Variant Classification Summary - May 2015. Collection method: clinical testing. Allele origin: germline.
Comment: Variant summary: CIC c.-11708C>T (c.1214C>T (p.Pro405Leu) on NM_001304815) is located in the untranscribed region upstream of the CIC gene region. The variant was absent in 574 control chromosomes (gnomAD). The available data on variant occurrences in the general population are insufficient to allow any conclusion about variant significance. To our knowledge, no occurrence of c.-11708C>T in individuals affected with mental retardation, autosomal dominant 45 and no experimental evidence demonstrating its impact on protein function have been reported. No submitters have cited clinical-significance assessments for this variant to ClinVar. Based on the evidence outlined above, the variant was classified as uncertain significance.

NM_001386298.1(CIC):c.1214C>T (p.Pro405Leu)

Gene: CIC (capicua transcriptional repressor; plus strand). Cytogenetic location: 19q13.2.
Variant type: single nucleotide variant.
Coding change: c.1214C>T on transcript NM_001386298.1 (MANE Select); coding-DNA position 1214, C replaced by T.
Protein change: p.Pro405Leu; replaces proline 405 with leucine.
Molecular consequence: missense variant. On other transcripts: genic upstream transcript variant (1).
Genome position (GRCh38, 1-based): chr19:42,272,997, C>T. VCF-style: chr19-42272997-C-T. GRCh37 (hg19) VCF-style: chr19-42777149-C-T.
Other names: c.1214C>T, p.Pro405Leu (NM_001304815.2, NM_001379480.1, NM_001379482.1); c.-11708C>T (NM_015125.5); short protein forms P405L.
Identifiers: ClinVar variation 3768535 (VCV003768535.1).